The following is an entry in ClinVar:

NM_005850.5(SF3B4):c.985T>C (p.Ser329Pro)

Gene: SF3B4 (splicing factor 3b subunit 4; minus strand). Cytogenetic location: 1q21.2.
Variant type: single nucleotide variant.
Coding change: c.985T>C on transcript NM_005850.5 (MANE Select); coding-DNA position 985, T replaced by C.
Protein change: p.Ser329Pro; replaces serine 329 with proline.
Molecular consequence: missense variant.
Genome position (GRCh38, 1-based): chr1:149,923,943, A>G on the plus strand (T>C on the coding strand, the complement: SF3B4 is on the minus strand). VCF-style: chr1-149923943-A-G. GRCh37 (hg19) VCF-style: chr1-149895835-A-G.
Other names: short protein forms S329P.
Identifiers: ClinVar variation 735055 (VCV000735055.26), dbSNP rs200122506, ClinGen allele CA1071401.

ClinVar aggregate classification (germline): Benign/Likely benign. Review status: criteria provided, multiple submitters, no conflicts (2 of 4 stars). 5 submissions from 5 submitters: Benign (1); Likely benign (3). 1 of the submissions does not count toward it. Last evaluated 2024-11-04.

Conditions:
SF3B4-related disorder. Also called: SF3B4-related condition.
Inborn genetic diseases. Identifiers: MedGen C0950123, MeSH D030342.

Allele frequency attached by ClinVar (database versions not stated): gnomAD exomes 0.00015 and 0.00020; 1000 Genomes Project 30x 0.00016; TOPMed 0.00019; gnomAD 0.00021; ExAC 0.00022; ESP Exome Variant Server 0.00023.

Submissions (5):

Blueprint Genetics
Classification: Likely benign. Last evaluated: 2024-11-04. Review status: criteria provided, single submitter. Criteria: ACMG Guidelines, 2015. Collection method: clinical testing. Allele origin: germline.

CeGaT Center for Human Genetics Tuebingen
Classification: Likely benign. Last evaluated: 2024-10-01. Review status: criteria provided, single submitter. Criteria: CeGaT Center For Human Genetics Tuebingen Variant Classification Criteria Version 2. Collection method: clinical testing. Allele origin: germline. Affected: yes. Observed: 1 variant allele.
Comment: SF3B4: BS2

Labcorp Genetics (formerly Invitae), Labcorp
Classification: Benign. Last evaluated: 2024-04-11. Review status: criteria provided, single submitter. Criteria: Invitae Variant Classification Sherloc (09022015). Collection method: clinical testing. Allele origin: germline.

Ambry Genetics
Classification: Likely benign for Inborn genetic diseases. Last evaluated: 2022-01-31. Review status: criteria provided, single submitter. Criteria: Ambry Variant Classification Scheme 2023. Collection method: clinical testing. Allele origin: germline.

PreventionGenetics, part of Exact Sciences
Classification: Likely benign for SF3B4-related condition. Last evaluated: 2023-06-05. Review status: no assertion criteria provided. Collection method: clinical testing. Allele origin: germline. Not counted in ClinVar's aggregate classification.
Comment: This variant is classified as likely benign based on ACMG/AMP sequence variant interpretation guidelines (Richards et al. 2015 PMID: 25741868, with internal and published modifications).